The following is an entry in ClinVar:

NM_000088.4(COL1A1):c.1515+16G>A

Gene: COL1A1 (collagen type I alpha 1 chain; minus strand). Cytogenetic location: 17q21.33.
Variant type: single nucleotide variant.
Coding change: c.1515+16G>A on transcript NM_000088.4 (MANE Select); 16 bases into the intron after coding-DNA position 1515, G replaced by A.
Molecular consequence: intron variant.
Genome position (GRCh38, 1-based): chr17:50,194,557, C>T on the plus strand (G>A on the coding strand, the complement: COL1A1 is on the minus strand). VCF-style: chr17-50194557-C-T. GRCh37 (hg19) VCF-style: chr17-48271918-C-T.
Other names: c.1515+16G>A (NM_000088.3).
Identifiers: ClinVar variation 1402739 (VCV001402739.8), dbSNP rs745582193, ClinGen allele CA8645227.

ClinVar aggregate classification (germline): Likely benign. Review status: criteria provided, multiple submitters, no conflicts (2 of 4 stars). 3 submissions from 3 submitters: Likely benign (3). Last evaluated 2026-02-01.

Conditions:
Osteogenesis imperfecta type I (OI1). Also called: OI, TYPE I; OSTEOGENESIS IMPERFECTA TARDA; OSTEOGENESIS IMPERFECTA WITH BLUE SCLERAE; Osteogenesis imperfecta type 1; Lobstein's Disease; Lobstein disease. Identifiers: Orphanet 216796, Orphanet 666, MedGen C0023931, MONDO:0008146, OMIM 166200. Disease mechanism: loss of function.
COL1A1-related disorder. Also called: COL1A1-related condition; COL1A1- related disease.

Allele frequency attached by ClinVar (database versions not stated): gnomAD 0.00004 and 0.00003.

Submissions (3):

Labcorp Genetics (formerly Invitae), Labcorp
Classification: Likely benign for Osteogenesis imperfecta type I. Last evaluated: 2026-02-01. Review status: criteria provided, single submitter. Criteria: Invitae Variant Classification Sherloc (09022015). Collection method: clinical testing. Allele origin: germline.

PreventionGenetics, part of Exact Sciences
Classification: Likely benign for COL1A1-related condition. Last evaluated: 2025-04-11. Review status: criteria provided, single submitter. Criteria: ACMG Guidelines, 2015. Collection method: clinical testing. Allele origin: germline.
Comment: This variant is classified as likely benign based on ACMG/AMP sequence variant interpretation guidelines (Richards et al. 2015 PMID: 25741868, with internal and published modifications).

Women's Health and Genetics/Laboratory Corporation of America, LabCorp
Classification: Likely benign. Last evaluated: 2025-03-17. Review status: criteria provided, single submitter. Criteria: LabCorp Variant Classification Summary - May 2015. Collection method: clinical testing. Allele origin: germline.